The following is an entry in ClinVar:

NM_001903.5(CTNNA1):c.2694C>T (p.Ser898=)

Gene: CTNNA1 (catenin alpha 1; plus strand). Cytogenetic location: 5q31.2.
Variant type: single nucleotide variant.
Coding change: c.2694C>T on transcript NM_001903.5 (MANE Select); coding-DNA position 2694, C replaced by T.
Protein change: p.Ser898=; no amino-acid change (serine 898 retained).
Molecular consequence: synonymous variant. On other transcripts: 3 prime UTR variant (5).
Genome position (GRCh38, 1-based): chr5:138,934,062, C>T. VCF-style: chr5-138934062-C-T. GRCh37 (hg19) VCF-style: chr5-138269751-C-T.
Other names: c.*239C>T (NM_001290307.3, NM_001324002.1, NM_001324003.1 and 2 more transcripts); c.2385C>T, p.Ser795= (NM_001290309.3); c.2325C>T, p.Ser775= (NM_001290310.3); c.1584C>T, p.Ser528= (NM_001290312.1, NM_001323987.1, NM_001323988.1 and 12 more transcripts); c.2694C>T, p.Ser898= (NM_001323982.2, NM_001323983.1, NM_001323984.2); c.2667C>T, p.Ser889= (NM_001323985.2); c.2601C>T, p.Ser867= (NM_001323986.2); c.1449C>T, p.Ser483= (NM_001324001.1); and 4 more.
Identifiers: ClinVar variation 409003 (VCV000409003.17), dbSNP rs374705823, ClinGen allele CA3432284.

ClinVar aggregate classification (germline): Conflicting classifications of pathogenicity. Review status: criteria provided, conflicting classifications (1 of 4 stars). 6 submissions from 6 submitters: Uncertain significance (1); Benign (1); Likely benign (4). Last evaluated 2026-05-11.

Conditions:
Hereditary nonpolyposis colon cancer (HNPCC). Also called: Hereditary nonpolyposis colorectal cancer; Familial nonpolyposis colon cancer; Hereditary Nonpolyposis Colorectal Cancer Syndrome. Identifiers: Orphanet 443909, MedGen C1333990, MONDO:0018630. Disease mechanism: loss of function.
CTNNA1-related disorder. Also called: CTNNA1-related condition.
Hereditary cancer-predisposing syndrome. Also called: Neoplastic Syndromes, Hereditary; Tumor predisposition; Hereditary Cancer Syndrome; Hereditary neoplastic syndrome. Identifiers: Orphanet 140162, MedGen C0027672, MeSH D009386, MONDO:0015356.
Hereditary diffuse gastric adenocarcinoma (HDGC). Also called: DIFFUSE GASTRIC AND LOBULAR BREAST CANCER SYNDROME. Identifiers: Orphanet 26106, MedGen C1708349, MONDO:0007648, OMIM 137215.

Allele frequency attached by ClinVar (database versions not stated): TOPMed 0.00003; gnomAD exomes 0.00005 and 0.00015; gnomAD 0.00006; ExAC 0.00007; ESP Exome Variant Server 0.00015.
gnomAD v4.1: 220 of 1,612,932 alleles (0.014%); highest among the groups gnomAD compares: Non-Finnish European, 0.017%; no homozygotes.

Submissions (6):

PreventionGenetics, part of Exact Sciences
Classification: Likely benign for CTNNA1-related condition. Last evaluated: 2026-05-11. Review status: criteria provided, single submitter. Criteria: ACMG Guidelines, 2015. Collection method: clinical testing. Allele origin: germline.
Comment: This variant is classified as likely benign based on ACMG/AMP sequence variant interpretation guidelines (Richards et al. 2015 PMID: 25741868, with internal and published modifications).

Labcorp Genetics (formerly Invitae), Labcorp
Classification: Likely benign. Last evaluated: 2026-01-27. Review status: criteria provided, single submitter. Criteria: Invitae Variant Classification Sherloc (09022015). Collection method: clinical testing. Allele origin: germline.

Ambry Genetics
Classification: Likely benign for Hereditary cancer-predisposing syndrome. Last evaluated: 2024-10-29. Review status: criteria provided, single submitter. Criteria: Ambry Variant Classification Scheme 2023. Collection method: clinical testing. Allele origin: germline.

Myriad Genetics, Inc.
Classification: Benign for Hereditary diffuse gastric adenocarcinoma. Last evaluated: 2024-10-15. Review status: criteria provided, single submitter. Criteria: Myriad Autosomal Dominant, Autosomal Recessive and X-Linked Classification Criteria (2023). Collection method: clinical testing. Allele origin: unknown.
Comment: This variant is considered benign. This variant is a silent/synonymous amino acid change and it is not expected to impact splicing.

Department of Pathology and Laboratory Medicine, Sinai Health System
Classification: Uncertain significance for hereditary nonpolyposis colon cancer. Last evaluated: 2024-05-09. Review status: criteria provided, single submitter. Criteria: ACMG Guidelines, 2015. Collection method: clinical testing. Allele origin: germline. Affected: yes.

Blueprint Genetics
Classification: Likely benign. Last evaluated: 2022-05-25. Review status: criteria provided, single submitter. Criteria: ACMG Guidelines, 2015. Collection method: clinical testing. Allele origin: germline.